The following is an entry in ClinVar:

ClinVar aggregate classification (germline): Uncertain significance (1 of 4 stars; one submission).

Allele frequency attached by ClinVar (database versions not stated): gnomAD exomes below 0.00001.
gnomAD v4.1: 1 of 1,614,042 alleles (0.000062%); highest among the groups gnomAD compares: African/African-American, 0.0013%; no homozygotes.

Submission:

Labcorp Genetics (formerly Invitae), Labcorp
Classification: Uncertain significance. Last evaluated: 2022-10-06. Review status: criteria provided, single submitter. Criteria: Invitae Variant Classification Sherloc (09022015). Collection method: clinical testing. Allele origin: germline.
Comment: This variant has not been reported in the literature in individuals affected with EMC1-related conditions. This variant is not present in population databases (gnomAD no frequency). This sequence change replaces valine, which is neutral and non-polar, with alanine, which is neutral and non-polar, at codon 458 of the EMC1 protein (p.Val458Ala). In summary, the available evidence is currently insufficient to determine the role of this variant in disease. Therefore, it has been classified as a Variant of Uncertain Significance. Advanced modeling of protein sequence and biophysical properties (such as structural, functional, and spatial information, amino acid conservation, physicochemical variation, residue mobility, and thermodynamic stability) performed at Invitae indicates that this missense variant is not expected to disrupt EMC1 protein function.

NM_015047.3(EMC1):c.1373T>C (p.Val458Ala)

Genes: EMC1 (ER membrane protein complex subunit 1; minus strand), EMC1-AS1 (EMC1 antisense RNA 1; plus strand). Cytogenetic location: 1p36.13.
Variant type: single nucleotide variant.
Coding change: c.1373T>C on transcript NM_015047.3 (MANE Select); coding-DNA position 1373, T replaced by C.
Protein change: p.Val458Ala; replaces valine 458 with alanine.
Molecular consequence: missense variant.
Genome position (GRCh38, 1-based): chr1:19,235,189, A>G on the plus strand (T>C on the coding strand, the complement: EMC1 is on the minus strand). VCF-style: chr1-19235189-A-G. GRCh37 (hg19) VCF-style: chr1-19561683-A-G.
Other names: c.1370T>C, p.Val457Ala (NM_001271427.2, NM_001271428.2, NM_001375821.1); c.1307T>C, p.Val436Ala (NM_001271429.2); c.1373T>C, p.Val458Ala (NM_001375820.1); short protein forms V436A, V457A, V458A.
Identifiers: ClinVar variation 1721079 (VCV001721079.5), dbSNP rs2536746665, ClinGen allele CA338764097.
Genomic context (GRCh38, chr1:19,235,189, plus strand): 5'-CCTGCCTTTTTGCCAAATTCTCCTTCCAGCTCGGCCTGTGCCCCAGTCAGGGGGAGGTCC[A>G]CCATCTCTAGGCACACCACTTCTGCCAGGGACTCCTCACGGCTCCACAGCACCACCTTCC-3'
Protein context (NP_055862.1, residues 448-468): SLAEVVCLEM[Val458Ala]DLPLTGAQAE